The following is an entry in ClinVar:

NM_015937.6(PIGT):c.918_919insT (p.Val307fs)

Gene: PIGT (phosphatidylinositol glycan anchor biosynthesis class T; plus strand). Cytogenetic location: 20q13.12.
Variant type: Insertion.
Coding change: c.918_919insT on transcript NM_015937.6 (MANE Select); coding-DNA positions 918 to 919, T inserted.
Protein change: p.Val307fs; shifts the reading frame from valine 307.
Molecular consequence: frameshift variant. On other transcripts: non-coding transcript variant (5).
Genome position: GRCh38 VCF-style: chr20-45420578-C-CT. GRCh37 (hg19) VCF-style: chr20-44049218-C-CT.
Other names: c.750_751insT, p.Val251fs (NM_001184728.3); c.918_919insT, p.Val307fs (NM_001184729.3); c.612_613insT, p.Val205fs (NM_001184730.3); short protein forms V205fs, V251fs, V307fs.
Identifiers: ClinVar variation 143195 (VCV000143195.2), dbSNP rs527236032, ClinGen allele CA170100.

ClinVar aggregate classification (germline): Pathogenic (0 of 4 stars; one submission).

Conditions:
Multiple congenital anomalies-hypotonia-seizures syndrome 3 (MCAHS3). Also called: GLYCOSYLPHOSPHATIDYLINOSITOL BIOSYNTHESIS DEFECT 7. Identifiers: Orphanet 369837, MedGen C3809356, MONDO:0014165, OMIM 615398.

Submission:

Undiagnosed Diseases Program Translational Research Laboratory, National Institutes of Health
Classification: Pathogenic for Multiple congenital anomalies-hypotonia-seizures syndrome 3. Review status: no assertion criteria provided. Collection method: not provided. Allele origin: inherited.
ClinVar note: Converted during submission from pathogenic to Pathogenic.